The following is an entry in ClinVar:

ClinVar aggregate classification (germline): Uncertain significance. Review status: criteria provided, multiple submitters, no conflicts (2 of 4 stars). 4 submissions from 4 submitters: Uncertain significance (4). Last evaluated 2026-07-02.

Conditions:
Familial thoracic aortic aneurysm and aortic dissection (TAAD). Also called: Thoracic aortic aneurysms and dissections. Identifiers: Orphanet 91387, MedGen C4707243, MONDO:0019625.

Allele frequency attached by ClinVar (database versions not stated): gnomAD exomes below 0.00001 and 0.00001; TOPMed below 0.00001; ExAC 0.00001.

Submissions (4):

Ambry Genetics
Classification: Uncertain significance for Familial thoracic aortic aneurysm and aortic dissection. Last evaluated: 2026-07-02. Review status: criteria provided, single submitter. Criteria: Ambry Variant Classification Scheme 2023. Collection method: clinical testing. Allele origin: germline.
Comment: The p.F45V variant (also known as c.133T>G), located in coding exon 1 of the MYH11 gene, results from a T to G substitution at nucleotide position 133. The phenylalanine at codon 45 is replaced by valine, an amino acid with highly similar properties. This amino acid position is conserved. In addition, this alteration is predicted to be deleterious by in silico analysis. Based on the available evidence, the clinical significance of this variant remains unclear.

GeneDx
Classification: Uncertain significance. Last evaluated: 2025-02-19. Review status: criteria provided, single submitter. Criteria: GeneDx Variant Classification Process June 2021. Collection method: clinical testing. Allele origin: germline. Affected: yes.
Comment: Not observed at significant frequency in large population cohorts (gnomAD); In silico analysis supports that this missense variant has a deleterious effect on protein structure/function; Has not been previously published as pathogenic or benign to our knowledge

All of Us Research Program, National Institutes of Health
Classification: Uncertain significance for Familial thoracic aortic aneurysm and aortic dissection. Last evaluated: 2024-03-24. Review status: criteria provided, single submitter. Criteria: ACMG Guidelines, 2015. Collection method: clinical testing. Allele origin: germline. Inheritance: Autosomal dominant inheritance. Observed: 1 variant allele, 1 heterozygote.
Comment: This missense variant replaces phenylalanine with valine at codon 45 of the MYH11 protein. Computational prediction suggests that this variant may have deleterious impact on protein structure and function (internally defined REVEL score threshold >= 0.7, PMID: 27666373). To our knowledge, functional studies have not been reported for this variant. This variant has not been reported in individuals affected with cardiovascular disorders in the literature. This variant has been identified in 3/251092 chromosomes in the general population by the Genome Aggregation Database (gnomAD). The available evidence is insufficient to determine the role of this variant in disease conclusively. Therefore, this variant is classified as a Variant of Uncertain Significance.

This study involves interpretation of variants in research participants for the purpose of population health screening. Participant phenotype was not available at the time of variant classification. Additional details can be found in publication PMID: 35346344, PMCID: PMC8962531

Color Diagnostics, LLC DBA Color Health
Classification: Uncertain significance for Familial thoracic aortic aneurysm and aortic dissection. Last evaluated: 2024-03-06. Review status: criteria provided, single submitter. Criteria: ACMG Guidelines, 2015. Collection method: clinical testing. Allele origin: germline.
Comment: This missense variant replaces phenylalanine with valine at codon 45 of the MYH11 protein. Computational prediction tools indicate that this variant has a deleterious impact on protein structure and function. To our knowledge, functional studies have not been reported for this variant. This variant has not been reported in individuals affected with MYH11-related disorders in the literature. This variant has been identified in 3/251092 chromosomes in the general population by the Genome Aggregation Database (gnomAD). The available evidence is insufficient to determine the role of this variant in disease conclusively. Therefore, this variant is classified as a Variant of Uncertain Significance.

NM_002474.3(MYH11):c.133T>G (p.Phe45Val)

Gene: MYH11 (myosin heavy chain 11; minus strand). Cytogenetic location: 16p13.11.
Variant type: single nucleotide variant.
Coding change: c.133T>G on transcript NM_002474.3 (MANE Select); coding-DNA position 133, T replaced by G.
Protein change: p.Phe45Val; replaces phenylalanine 45 with valine.
Molecular consequence: missense variant.
Genome position (GRCh38, 1-based): chr16:15,838,120, A>C on the plus strand (T>G on the coding strand, the complement: MYH11 is on the minus strand). VCF-style: chr16-15838120-A-C. GRCh37 (hg19) VCF-style: chr16-15931977-A-C.
Other names: c.133T>G, p.Phe45Val (NM_001040113.2, NM_001040114.2, NM_022844.3); c.133T>G (NM_002474.2); short protein forms F45V.
Identifiers: ClinVar variation 1171152 (VCV001171152.7), dbSNP rs746419144, ClinGen allele CA7923114.